The following is an entry in ClinVar:

NM_052844.4(DYNC2I2):c.1372+1G>A

Gene: DYNC2I2 (dynein 2 intermediate chain 2; minus strand). Cytogenetic location: 9q34.11.
Variant type: single nucleotide variant.
Coding change: c.1372+1G>A on transcript NM_052844.4 (MANE Select); the canonical splice donor site of the intron after coding-DNA position 1372, G replaced by A.
Molecular consequence: splice donor variant.
Genome position (GRCh38, 1-based): chr9:128,634,225, C>T on the plus strand (G>A on the coding strand, the complement: DYNC2I2 is on the minus strand). VCF-style: chr9-128634225-C-T. GRCh37 (hg19) VCF-style: chr9-131396504-C-T.
Other names: c.1372+1G>A (NM_052844.3).
Identifiers: ClinVar variation 2196170 (VCV002196170.9), dbSNP rs371069043, ClinGen allele CA5266245.

ClinVar aggregate classification (germline): Pathogenic/Likely pathogenic. Review status: criteria provided, multiple submitters, no conflicts (2 of 4 stars). 4 submissions from 4 submitters: Pathogenic (1); Likely pathogenic (3). Last evaluated 2025-11-10.

Conditions:
Short-rib thoracic dysplasia 11 with or without polydactyly (SRTD11). Also called: SHORT-RIB THORACIC DYSPLASIA 11 WITHOUT POLYDACTYLY. Identifiers: Orphanet 474, Orphanet 93271, MedGen C3810200, MONDO:0014287, OMIM 615633.

Allele frequency attached by ClinVar (database versions not stated): TOPMed 0.00003; gnomAD 0.00003; ExAC 0.00003; gnomAD exomes 0.00005; ESP Exome Variant Server 0.00008.

Submissions (6):

Labcorp Genetics (formerly Invitae), Labcorp
Classification: Pathogenic for Short-rib thoracic dysplasia 11 with or without polydactyly. Last evaluated: 2025-11-10. Review status: criteria provided, single submitter. Criteria: Invitae Variant Classification Sherloc (09022015). Collection method: clinical testing. Allele origin: germline.
Comment: This sequence change affects a donor splice site in intron 8 of the WDR34 gene. While this variant is not anticipated to result in nonsense mediated decay, it likely alters RNA splicing and results in a disrupted protein product. This variant is present in population databases (rs371069043, gnomAD 0.003%). Disruption of this splice site has been observed in individual(s) with asphyxiating thoracic dystrophy (PMID: 24183451). ClinVar contains an entry for this variant (Variation ID: 2196170). Variants that disrupt the consensus splice site are a relatively common cause of aberrant splicing (PMID: 17576681, 9536098). Algorithms developed to predict the effect of sequence changes on RNA splicing suggest that this variant may disrupt the consensus splice site. This variant disrupts a region of the WDR34 protein in which other variant(s) (p.Thr514Argfs*11) have been determined to be pathogenic (PMID: 24183451). This suggests that this is a clinically significant region of the protein, and that variants that disrupt it are likely to be disease-causing. For these reasons, this variant has been classified as Pathogenic.

GeneDx
Classification: Likely pathogenic. Last evaluated: 2025-04-16. Review status: criteria provided, single submitter. Criteria: GeneDx Variant Classification Process June 2021. Collection method: clinical testing. Allele origin: germline. Affected: yes.
Comment: Canonical splice site variant predicted to result in a null allele in a gene for which loss of function is a known mechanism of disease; This variant is associated with the following publications: (PMID: 24183451)

Women's Health and Genetics/Laboratory Corporation of America, LabCorp
Classification: Likely pathogenic for Short-rib thoracic dysplasia 11 with or without polydactyly. Last evaluated: 2024-03-07. Review status: criteria provided, single submitter. Criteria: LabCorp Variant Classification Summary - May 2015. Collection method: clinical testing. Allele origin: germline.
Comment: Variant summary: DYNC2I2 (also known as WDR34) c.1372+1G>A is located in a canonical splice-site and is predicted to affect mRNA splicing resulting in a significantly altered protein due to either exon skipping, shortening, or inclusion of intronic material. Several computational tools predict a significant impact on normal splicing: Four predict the variant abolishes a 5' splicing donor site. However, these predictions have yet to be confirmed by functional studies. The variant allele was found at a frequency of 4.7e-05 in 1606542 control chromosomes (gnomAD v4.0). The variant, c.1372+1G>A, has been reported in the literature in at least one individual with clinical features of Short-Rib Thoracic Dysplasia 11 With Or Without Polydactyly (Schmidts_2013). To our knowledge, no experimental evidence demonstrating an impact on protein function has been reported. Since the variant is located to the 5' donor site of the last intron, therefore it is not expected to elicit nonsense mediated decay (NMD). However, multiple variants downstream from this position have been reported in affected individuals (HGMD). ClinVar contains an entry for this variant (Variation ID: 2196170). Based on the evidence outlined above, the variant was classified as likely pathogenic.

Revvity Omics, Revvity
Classification: Likely pathogenic for Short-rib thoracic dysplasia 11 with or without polydactyly. Last evaluated: 2023-12-26. Review status: criteria provided, single submitter. Criteria: ACMG Guidelines, 2015. Collection method: clinical testing. Allele origin: germline.

Dr. Peter K. Rogan Lab, Western University
No classification provided (evidence only). Condition: Melanoma. Review status: no classification provided. Collection method: in vitro. Allele origin: not applicable. Functional consequence: skipped exon, retained intron. Not counted in ClinVar's aggregate classification.

Dr. Peter K. Rogan Lab, Western University
No classification provided (evidence only). Condition: Hepatocellular carcinoma. Review status: no classification provided. Collection method: in vitro. Allele origin: not applicable. Functional consequence: skipped exon, retained intron. Not counted in ClinVar's aggregate classification.

Literature cited by the submitters: PubMed 24183451 (cited by Labcorp Genetics (formerly Invitae), Labcorp and Women's Health and Genetics/Laboratory Corporation of America, LabCorp); PubMed 17576681 (cited by Labcorp Genetics (formerly Invitae), Labcorp); PubMed 9536098 (cited by Labcorp Genetics (formerly Invitae), Labcorp).